The following is an entry in ClinVar:

NM_005045.4(RELN):c.8046_8047inv (p.Glu2683Lys)

Gene: RELN (reelin; minus strand). Cytogenetic location: 7q22.1.
Variant type: Inversion.
Coding change: c.8046_8047inv on transcript NM_005045.4 (MANE Select).
Protein change: p.Glu2683Lys; replaces glutamic acid 2683 with lysine.
Molecular consequence: missense variant.
Genome position: GRCh38 VCF-style: chr7-103515257-CA-TG. GRCh37 (hg19) VCF-style: chr7-103155704-CA-TG.
Other names: c.8046_8047inv, p.Glu2683Lys (NM_173054.3); short protein forms E2683K.
Identifiers: ClinVar variation 3749922 (VCV003749922.2).

ClinVar aggregate classification (germline): Uncertain significance (1 of 4 stars; one submission).

Conditions:
Familial temporal lobe epilepsy 7. Identifiers: Orphanet 101046, MedGen C4225327, MONDO:0014639, OMIM 616436.
Norman-Roberts syndrome (LIS2). Also called: Lissencephaly 2 (Norman-Roberts type). Identifiers: Orphanet 89844, MedGen C0796089, MONDO:0009760, OMIM 257320.

Submission:

Labcorp Genetics (formerly Invitae), Labcorp
Classification: Uncertain significance for Familial temporal lobe epilepsy 7; Norman-Roberts syndrome. Last evaluated: 2024-12-23. Review status: criteria provided, single submitter. Criteria: Invitae Variant Classification Sherloc (09022015). Collection method: clinical testing. Allele origin: germline.
Comment: This sequence change replaces glutamic acid, which is acidic and polar, with lysine, which is basic and polar, at codon 2683 of the RELN protein (p.Glu2683Lys). Information on the frequency of this variant in the gnomAD database is not available, as this variant may be reported differently in the database. This variant has not been reported in the literature in individuals affected with RELN-related conditions. Experimental studies and prediction algorithms are not available or were not evaluated, and the functional significance of this variant is currently unknown. In summary, the available evidence is currently insufficient to determine the role of this variant in disease. Therefore, it has been classified as a Variant of Uncertain Significance.